The following is an entry in ClinVar:

ClinVar aggregate classification (germline): Uncertain significance (1 of 4 stars; one submission).

Submission:

Labcorp Genetics (formerly Invitae), Labcorp
Classification: Uncertain significance. Last evaluated: 2022-02-20. Review status: criteria provided, single submitter. Criteria: Invitae Variant Classification Sherloc (09022015). Collection method: clinical testing. Allele origin: germline.
Comment: In summary, the available evidence is currently insufficient to determine the role of this variant in disease. Therefore, it has been classified as a Variant of Uncertain Significance. Algorithms developed to predict the effect of sequence changes on RNA splicing suggest that this variant may disrupt the consensus splice site. This variant has not been reported in the literature in individuals affected with KATNB1-related conditions. This variant is not present in population databases (gnomAD no frequency). This sequence change falls in intron 13 of the KATNB1 gene. It does not directly change the encoded amino acid sequence of the KATNB1 protein.

NM_005886.3(KATNB1):c.1228+12G>T

Gene: KATNB1 (katanin regulatory subunit B1; plus strand). Cytogenetic location: 16q21.
Variant type: single nucleotide variant.
Coding change: c.1228+12G>T on transcript NM_005886.3 (MANE Select); 12 bases into the intron after coding-DNA position 1228, G replaced by T.
Molecular consequence: intron variant.
Genome position (GRCh38, 1-based): chr16:57,754,007, G>T. VCF-style: chr16-57754007-G-T. GRCh37 (hg19) VCF-style: chr16-57787919-G-T.
Identifiers: ClinVar variation 2099833 (VCV002099833.4), dbSNP rs369259979, ClinGen allele CA2580091720.
Genomic context (GRCh38, chr16:57,754,007, plus strand): 5'-CGGACGCCACCCCGGAGAAGTGAGCCCTTCCCTGCACCCCCAGAGGACGGTGAGTTGGGT[G>T]AGCCTGGTTTCCCAAGGTCTCTGATGCCCCCCCGTCCCTCATCTTCTCTTCCTGTGAACC-3'